The following is an entry in ClinVar:

ClinVar aggregate classification (germline): Uncertain significance (1 of 4 stars; one submission).

Conditions:
Hereditary cancer-predisposing syndrome. Also called: Neoplastic Syndromes, Hereditary; Tumor predisposition; Hereditary neoplastic syndrome; Hereditary Cancer Syndrome. Identifiers: Orphanet 140162, MedGen C0027672, MeSH D009386, MONDO:0015356.

Submission:

Ambry Genetics
Classification: Uncertain significance for Hereditary cancer-predisposing syndrome. Last evaluated: 2022-11-16. Review status: criteria provided, single submitter. Criteria: Ambry Variant Classification Scheme 2023. Collection method: clinical testing. Allele origin: germline.
Comment: The p.C1354G variant (also known as c.4060T>G), located in coding exon 27 of the ALK gene, results from a T to G substitution at nucleotide position 4060. The cysteine at codon 1354 is replaced by glycine, an amino acid with highly dissimilar properties. This amino acid position is conserved. In addition, this alteration is predicted to be deleterious by in silico analysis. Since supporting evidence is limited at this time, the clinical significance of this alteration remains unclear.

NM_004304.5(ALK):c.4060T>G (p.Cys1354Gly)

Gene: ALK (ALK receptor tyrosine kinase; minus strand). Cytogenetic location: 2p23.2.
Variant type: single nucleotide variant.
Coding change: c.4060T>G on transcript NM_004304.5 (MANE Select); coding-DNA position 4060, T replaced by G.
Protein change: p.Cys1354Gly; replaces cysteine 1354 with glycine.
Molecular consequence: missense variant.
Genome position (GRCh38, 1-based): chr2:29,197,555, A>C on the plus strand (T>G on the coding strand, the complement: ALK is on the minus strand). VCF-style: chr2-29197555-A-C. GRCh37 (hg19) VCF-style: chr2-29420421-A-C.
Other names: c.856T>G, p.Cys286Gly (NM_001353765.2); short protein forms C1354G, C286G.
Identifiers: ClinVar variation 2452094 (VCV002452094.2), dbSNP rs1669054082, ClinGen allele CA346465821.
Genomic context (GRCh38, chr2:29,197,555, plus strand): 5'-GAAAAACTGCTTAGTAACTAGCAGAAGTGTTCCTAAAAGAGTCATACACAGGCCCAGGGC[A>C]GTTCTTGGGTGGGTCCATCCGGCCTCCACTGGTGACAAACTCCAGAACTTCCTGGTTGCT-3'
Protein context (NP_004295.2, residues 1344-1364): SGGRMDPPKN[Cys1354Gly]PGPVYRIMTQ